The following is an entry in ClinVar:

NM_003072.5(SMARCA4):c.2540A>G (p.Gln847Arg)

Gene: SMARCA4 (SWI/SNF related BAF chromatin remodeling complex subunit ATPase 4; plus strand). Cytogenetic location: 19p13.2.
Variant type: single nucleotide variant.
Coding change: c.2540A>G on transcript NM_003072.5 (MANE Select); coding-DNA position 2540, A replaced by G.
Protein change: p.Gln847Arg; replaces glutamine 847 with arginine.
Molecular consequence: missense variant. On other transcripts: non-coding transcript variant (1).
Genome position (GRCh38, 1-based): chr19:11,019,625, A>G. VCF-style: chr19-11019625-A-G. GRCh37 (hg19) VCF-style: chr19-11130301-A-G.
Other names: c.2540A>G, p.Gln847Arg (NM_001128844.3, NM_001128845.2, NM_001128846.2 and 4 more transcripts); short protein forms Q847R.
Identifiers: ClinVar variation 939248 (VCV000939248.9), dbSNP rs2089681473, ClinGen allele CA404054406.
Genomic context (GRCh38, chr19:11,019,625, plus strand): 5'-AGCTGTGCATCCTGCTTCCCTTGCAGGGATCCCCAGCAGCAAGACGGGCCTTTGTCCCCC[A>G]GCTCCGGAGTGGGAAGTTCAACGTCTTGCTGACGACGTACGAGTACATCATCAAAGACAA-3'
Protein context (NP_003063.2, residues 837-857): SPAARRAFVP[Gln847Arg]LRSGKFNVLL

ClinVar aggregate classification (germline): Uncertain significance (1 of 4 stars; one submission).

Conditions:
Rhabdoid tumor predisposition syndrome 2 (RTPS2). Identifiers: Orphanet 231108, Orphanet 69077, MedGen C2750074, MONDO:0013224, OMIM 613325.

Submission:

Labcorp Genetics (formerly Invitae), Labcorp
Classification: Uncertain significance for Rhabdoid tumor predisposition syndrome 2. Last evaluated: 2019-06-17. Review status: criteria provided, single submitter. Criteria: Invitae Variant Classification Sherloc (09022015). Collection method: clinical testing. Allele origin: germline.
Comment: This variant is not present in population databases (ExAC no frequency). This sequence change replaces glutamine with arginine at codon 847 of the SMARCA4 protein (p.Gln847Arg). The glutamine residue is highly conserved and there is a small physicochemical difference between glutamine and arginine. This variant has not been reported in the literature in individuals with SMARCA4-related conditions. Algorithms developed to predict the effect of missense changes on protein structure and function are either unavailable or do not agree on the potential impact of this missense change (SIFT: "Tolerated"; PolyPhen-2: "Possibly Damaging"; Align-GVGD: "Class C0"). In summary, the available evidence is currently insufficient to determine the role of this variant in disease. Therefore, it has been classified as a Variant of Uncertain Significance.